The following is an entry in ClinVar:

ClinVar aggregate classification (germline): Uncertain significance. Review status: criteria provided, multiple submitters, no conflicts (2 of 4 stars). 2 submissions from 2 submitters: Uncertain significance (2). Last evaluated 2024-11-26.

Conditions:
Pulmonary fibrosis and/or bone marrow failure, Telomere-related, 3. Also called: PULMONARY FIBROSIS AND/OR BONE MARROW FAILURE SYNDROME, TELOMERE-RELATED, 3. Identifiers: Orphanet 2032, MedGen C4225346, MONDO:0014613, OMIM 616373.
Dyskeratosis congenita, autosomal recessive 5 (DKCB5). Identifiers: MedGen C3554656, MONDO:0014076, OMIM 615190.
Inborn genetic diseases. Identifiers: MedGen C0950123, MeSH D030342.

Allele frequency attached by ClinVar (database versions not stated): TOPMed below 0.00001; gnomAD 0.00001.
gnomAD v4.1: 5 of 1,613,536 alleles (0.00031%); highest among the groups gnomAD compares: Non-Finnish European, 0.00042%; no homozygotes.

Submissions (2):

Ambry Genetics
Classification: Uncertain significance for Inborn genetic diseases. Last evaluated: 2024-11-26. Review status: criteria provided, single submitter. Criteria: Ambry Variant Classification Scheme 2023. Collection method: clinical testing. Allele origin: germline.
Comment: The p.Q77R variant (also known as c.230A>G), located in coding exon 2 of the RTEL1 gene, results from an A to G substitution at nucleotide position 230. The glutamine at codon 77 is replaced by arginine, an amino acid with highly similar properties. This amino acid position is conserved. In addition, this alteration is predicted to be tolerated by in silico analysis. Based on the available evidence, the clinical significance of this variant remains unclear.

Labcorp Genetics (formerly Invitae), Labcorp
Classification: Uncertain significance for Dyskeratosis congenita, autosomal recessive 5; Pulmonary fibrosis and/or bone marrow failure, Telomere-related, 3. Last evaluated: 2024-09-23. Review status: criteria provided, single submitter. Criteria: Invitae Variant Classification Sherloc (09022015). Collection method: clinical testing. Allele origin: germline.
Comment: This sequence change replaces glutamine, which is neutral and polar, with arginine, which is basic and polar, at codon 77 of the RTEL1 protein (p.Gln77Arg). The frequency data for this variant in the population databases is considered unreliable, as metrics indicate poor data quality at this position in the gnomAD database. This variant has not been reported in the literature in individuals affected with RTEL1-related conditions. ClinVar contains an entry for this variant (Variation ID: 1017136). An algorithm developed to predict the effect of missense changes on protein structure and function (PolyPhen-2) suggests that this variant is likely to be tolerated. In summary, the available evidence is currently insufficient to determine the role of this variant in disease. Therefore, it has been classified as a Variant of Uncertain Significance.

NM_001283009.2(RTEL1):c.230A>G (p.Gln77Arg)

Genes: RTEL1 (regulator of telomere elongation helicase 1; plus strand), RTEL1-TNFRSF6B (RTEL1-TNFRSF6B readthrough (NMD candidate); plus strand). Cytogenetic location: 20q13.33.
Variant type: single nucleotide variant.
Coding change: c.230A>G on transcript NM_001283009.2 (MANE Select); coding-DNA position 230, A replaced by G.
Protein change: p.Gln77Arg; replaces glutamine 77 with arginine.
Molecular consequence: missense variant. On other transcripts: non-coding transcript variant (1), 5 prime UTR variant (1).
Genome position (GRCh38, 1-based): chr20:63,661,425, A>G. VCF-style: chr20-63661425-A-G. GRCh37 (hg19) VCF-style: chr20-62292778-A-G.
Other names: c.-440A>G (NM_001283010.1); c.230A>G, p.Gln77Arg (NM_016434.4, NM_032957.5); short protein forms Q77R.
Identifiers: ClinVar variation 1017136 (VCV001017136.5), dbSNP rs771462323, ClinGen allele CA9964149.